The following is an entry in ClinVar:

ClinVar aggregate classification (germline): Uncertain significance. Review status: criteria provided, multiple submitters, no conflicts (2 of 4 stars). 2 submissions from 2 submitters: Uncertain significance (2). Last evaluated 2022-11-15.

Submissions (2):

Labcorp Genetics (formerly Invitae), Labcorp
Classification: Uncertain significance. Last evaluated: 2022-11-15. Review status: criteria provided, single submitter. Criteria: Invitae Variant Classification Sherloc (09022015). Collection method: clinical testing. Allele origin: germline.
Comment: In summary, the available evidence is currently insufficient to determine the role of this variant in disease. Therefore, it has been classified as a Variant of Uncertain Significance. Advanced modeling of protein sequence and biophysical properties (such as structural, functional, and spatial information, amino acid conservation, physicochemical variation, residue mobility, and thermodynamic stability) performed at Invitae indicates that this missense variant is not expected to disrupt HK1 protein function. ClinVar contains an entry for this variant (Variation ID: 867069). This variant has not been reported in the literature in individuals affected with HK1-related conditions. This variant is not present in population databases (gnomAD no frequency). This sequence change replaces valine, which is neutral and non-polar, with alanine, which is neutral and non-polar, at codon 361 of the HK1 protein (p.Val361Ala).

Blueprint Genetics
Classification: Uncertain significance. Last evaluated: 2018-09-26. Review status: criteria provided, single submitter. Criteria: ACMG Guidelines, 2015. Collection method: clinical testing. Allele origin: germline.

NM_000188.3(HK1):c.1082T>C (p.Val361Ala)

Gene: HK1 (hexokinase 1; plus strand). Cytogenetic location: 10q22.1.
Variant type: single nucleotide variant.
Coding change: c.1082T>C on transcript NM_000188.3 (MANE Select); coding-DNA position 1082, T replaced by C.
Protein change: p.Val361Ala; replaces valine 361 with alanine.
Molecular consequence: missense variant.
Genome position (GRCh38, 1-based): chr10:69,379,912, T>C. VCF-style: chr10-69379912-T-C. GRCh37 (hg19) VCF-style: chr10-71139668-T-C.
Other names: c.1094T>C, p.Val365Ala (NM_001322364.2, NM_001358263.1, NM_033497.3 and 1 more transcripts); c.1187T>C, p.Val396Ala (NM_001322365.2); c.998T>C, p.Val333Ala (NM_001322366.1); c.986T>C, p.Val329Ala (NM_001322367.1); c.1079T>C, p.Val360Ala (NM_033496.3); c.1046T>C, p.Val349Ala (NM_033500.2); short protein forms V361A, V333A, V365A, V396A, V329A, V349A, V360A.
Identifiers: ClinVar variation 867069 (VCV000867069.5), dbSNP rs1589566813, ClinGen allele CA376917284.